The following is an entry in ClinVar:

NM_015040.4(PIKFYVE):c.*128G>T

Gene: PIKFYVE (phosphoinositide kinase, FYVE-type zinc finger containing; plus strand). Cytogenetic location: 2q34.
Variant type: single nucleotide variant.
Coding change: c.*128G>T on transcript NM_015040.4 (MANE Select); 128 bases downstream of the stop codon, G replaced by T.
Molecular consequence: 3 prime UTR variant.
Genome position (GRCh38, 1-based): chr2:208,355,433, G>T. VCF-style: chr2-208355433-G-T. GRCh37 (hg19) VCF-style: chr2-209220157-G-T.
Other names: NC_000002.11:g.209220157G>T.
Identifiers: ClinVar variation 333941 (VCV000333941.7), dbSNP rs10208191, ClinGen allele CA10613825.

ClinVar aggregate classification (germline): Benign. Review status: criteria provided, multiple submitters, no conflicts (2 of 4 stars). 2 submissions from 2 submitters: Benign (2). Last evaluated 2018-01-12.

Conditions:
Fleck corneal dystrophy (CFD). Also called: CORNEAL DYSTROPHY, FRANCOIS-NEETENS SPECKLED OR FLECKED. Identifiers: Orphanet 98970, MedGen C1562113, MONDO:0007376, OMIM 121850.

Allele frequency attached by ClinVar (database versions not stated): 1000 Genomes Project 30x 0.90943; 1000 Genomes Project 0.91114; TOPMed 0.92152; gnomAD 0.92697 and 0.92896.
gnomAD v4.1: 723,792 of 750,252 alleles (96%); highest among the groups gnomAD compares: Non-Finnish European, 98%; 350,164 homozygotes.

Submissions (5):

Illumina Laboratory Services, Illumina
Classification: Benign for Fleck corneal dystrophy. Last evaluated: 2018-01-12. Review status: criteria provided, single submitter. Criteria: ICSL Variant Classification Criteria 13 December 2019. Collection method: clinical testing. Allele origin: germline.
Comment: This variant was observed in the ICSL laboratory as part of a predisposition screen in an ostensibly healthy population. It had not been previously curated by ICSL or reported in the Human Gene Mutation Database (HGMD: prior to June 1st, 2018), and was therefore a candidate for classification through an automated scoring system. Utilizing variant allele frequency, disease prevalence and penetrance estimates, and inheritance mode, an automated score was calculated to assess if this variant is too frequent to cause the disease. Based on the score and internal cut-off values, a variant classified as benign is not then subjected to further curation. The score for this variant resulted in a classification of benign for this disease.

Breakthrough Genomics
Classification: Benign. Review status: criteria provided, single submitter. Criteria: ACMG Guidelines, 2015. Collection method: not provided. Allele origin: germline. Inheritance: Autosomal dominant inheritance. Affected: yes.

Dr. Peter K. Rogan Lab, Western University
No classification provided (evidence only). Condition: Melanoma. Review status: no classification provided. Collection method: in vitro. Allele origin: not applicable. Functional consequence: retained intron. Not counted in ClinVar's aggregate classification.

Dr. Peter K. Rogan Lab, Western University
No classification provided (evidence only). Condition: Thyroid cancer, nonmedullary, 1. Review status: no classification provided. Collection method: in vitro. Allele origin: not applicable. Functional consequence: retained intron. Not counted in ClinVar's aggregate classification.

Dr. Peter K. Rogan Lab, Western University
No classification provided (evidence only). Condition: Thyroid cancer, nonmedullary, 1. Review status: no classification provided. Collection method: in vitro. Allele origin: not applicable. Functional consequence: retained intron. Not counted in ClinVar's aggregate classification.